The following is an entry in ClinVar:

ClinVar aggregate classification (germline): Uncertain significance (1 of 4 stars; one submission).

Allele frequency attached by ClinVar (database versions not stated): gnomAD exomes 0.00001.
gnomAD v4.1: 8 of 1,612,104 alleles (0.0005%); highest among the groups gnomAD compares: Non-Finnish European, 0.00068%; no homozygotes.

Submission:

Labcorp Genetics (formerly Invitae), Labcorp
Classification: Uncertain significance. Last evaluated: 2023-09-29. Review status: criteria provided, single submitter. Criteria: Invitae Variant Classification Sherloc (09022015). Collection method: clinical testing. Allele origin: germline.
Comment: In summary, the available evidence is currently insufficient to determine the role of this variant in disease. Therefore, it has been classified as a Variant of Uncertain Significance. Advanced modeling of protein sequence and biophysical properties (such as structural, functional, and spatial information, amino acid conservation, physicochemical variation, residue mobility, and thermodynamic stability) performed at Invitae indicates that this missense variant is not expected to disrupt COL11A2 protein function. This variant has not been reported in the literature in individuals affected with COL11A2-related conditions. This variant is present in population databases (no rsID available, gnomAD 0.002%). This sequence change replaces threonine, which is neutral and polar, with arginine, which is basic and polar, at codon 965 of the COL11A2 protein (p.Thr965Arg).

NM_080680.3(COL11A2):c.2894C>G (p.Thr965Arg)

Gene: COL11A2 (collagen type XI alpha 2 chain; minus strand). Cytogenetic location: 6p21.32.
Variant type: single nucleotide variant.
Coding change: c.2894C>G on transcript NM_080680.3 (MANE Select); coding-DNA position 2894, C replaced by G.
Protein change: p.Thr965Arg; replaces threonine 965 with arginine.
Molecular consequence: missense variant.
Genome position (GRCh38, 1-based): chr6:33,172,534, G>C on the plus strand (C>G on the coding strand, the complement: COL11A2 is on the minus strand). VCF-style: chr6-33172534-G-C. GRCh37 (hg19) VCF-style: chr6-33140311-G-C.
Other names: c.2714C>G, p.Thr905Arg (NM_001424108.1); c.2048C>G, p.Thr683Arg (NM_001424109.1); c.1868C>G, p.Thr623Arg (NM_001424110.1, NM_001424111.1); c.848C>G, p.Thr283Arg (NM_001424112.1); c.2573C>G, p.Thr858Arg (NM_080679.3); c.2636C>G, p.Thr879Arg (NM_080681.3); short protein forms T623R, T879R, T283R, T683R, T858R, T905R, T965R.
Identifiers: ClinVar variation 2801535 (VCV002801535.3), dbSNP rs1383480377, ClinGen allele CA363637427.